The following is an entry in ClinVar:

ClinVar aggregate classification (germline): Likely benign (0 of 4 stars; one submission).

Conditions:
BDNF-related disorder. Also called: BDNF-related condition.

gnomAD v4.1: 1 of 1,614,040 alleles (0.000062%); highest among the groups gnomAD compares: African/African-American, 0.0013%; no homozygotes.

Submission:

PreventionGenetics, part of Exact Sciences
Classification: Likely benign for BDNF-related condition. Last evaluated: 2024-08-22. Review status: no assertion criteria provided. Collection method: clinical testing. Allele origin: germline.
Comment: This variant is classified as likely benign based on ACMG/AMP sequence variant interpretation guidelines (Richards et al. 2015 PMID: 25741868, with internal and published modifications).

NM_001709.5(BDNF):c.537A>G (p.Gln179=)

Genes: BDNF (brain derived neurotrophic factor; minus strand), BDNF-AS (BDNF antisense RNA; plus strand). Cytogenetic location: 11p14.1.
Variant type: single nucleotide variant.
Coding change: c.537A>G on transcript NM_001709.5 (MANE Select); coding-DNA position 537, A replaced by G.
Protein change: p.Gln179=; no amino-acid change (glutamine 179 retained).
Molecular consequence: synonymous variant.
Genome position (GRCh38, 1-based): chr11:27,658,028, T>C on the plus strand (A>G on the coding strand, the complement: BDNF is on the minus strand). VCF-style: chr11-27658028-T-C. GRCh37 (hg19) VCF-style: chr11-27679575-T-C.
Other names: c.537A>G, p.Gln179= (NM_001143805.1, NM_001143806.1, NM_001143807.2 and 9 more transcripts); c.624A>G, p.Gln208= (NM_001143809.2); c.783A>G, p.Gln261= (NM_001143810.2); c.561A>G, p.Gln187= (NM_170731.5); c.582A>G, p.Gln194= (NM_170734.4).
Identifiers: ClinVar variation 3351334 (VCV003351334.1).
Genomic context (GRCh38, chr11:27,658,028, plus strand): 5'-TATGCCCCTGCAGCCTTCTTTTGTGTAACCCATGGGATTGCACTTGGTCTCGTAGAAGTA[T>C]TGCTTCAGTTGGCCTTTTGATACAGGGACCTTTTCAAGGACTGTGACCGTCCCGCCCGAC-3'
Protein context (NP_001700.2, residues 169-189): KVPVSKGQLK[Gln179=]YFYETKCNPM